The following is an entry in ClinVar:

NM_004415.4(DSP):c.5414G>T (p.Cys1805Phe)

Gene: DSP (desmoplakin; plus strand). Cytogenetic location: 6p24.3.
Variant type: single nucleotide variant.
Coding change: c.5414G>T on transcript NM_004415.4 (MANE Select); coding-DNA position 5414, G replaced by T.
Protein change: p.Cys1805Phe; replaces cysteine 1805 with phenylalanine.
Molecular consequence: missense variant.
Genome position (GRCh38, 1-based): chr6:7,582,676, G>T. VCF-style: chr6-7582676-G-T. GRCh37 (hg19) VCF-style: chr6-7582909-G-T.
Other names: c.5414G>T (LRG_423t1); c.3617G>T, p.Cys1206Phe (NM_001008844.3); c.4085G>T, p.Cys1362Phe (NM_001319034.2); short protein forms C1805F, C1206F, C1362F.
Identifiers: ClinVar variation 573822 (VCV000573822.10), dbSNP rs768161038, ClinGen allele CA362688569.

ClinVar aggregate classification (germline): Uncertain significance. Review status: criteria provided, multiple submitters, no conflicts (2 of 4 stars). 3 submissions from 3 submitters: Uncertain significance (3). Last evaluated 2026-01-14.

Conditions:
Arrhythmogenic cardiomyopathy with wooly hair and keratoderma. Also called: PALMOPLANTAR KERATODERMA WITH LEFT VENTRICULAR CARDIOMYOPATHY AND WOOLLY HAIR; Arrhythmogenic cardiomyopathy with woolly hair and keratoderma; Carvajal syndrome; Dilated cardiomyopathy with woolly hair and keratoderma. Identifiers: Orphanet 65282, MedGen C1854063, MONDO:0011581, OMIM 605676.
Arrhythmogenic right ventricular dysplasia 8 (ARVD8). Also called: Arrhythmogenic Right Ventricular Dysplasia/Cardiomyopathy 8; ARRHYTHMOGENIC RIGHT VENTRICULAR DYSPLASIA, FAMILIAL, 8; ARRHYTHMOGENIC RIGHT VENTRICULAR CARDIOMYOPATHY 8. Identifiers: MedGen C1843896, MONDO:0011831, OMIM 607450.
Cardiomyopathy (CMYO). Also called: Cardiomyopathies. Identifiers: Orphanet 167848, MedGen C0878544, MONDO:0004994, HP:0001638. Inheritance: Various modes of inheritance.

gnomAD v4.1: 2 of 1,613,694 alleles (0.00012%); highest among the groups gnomAD compares: Non-Finnish European, 0.00017%; no homozygotes.

Submissions (3):

Labcorp Genetics (formerly Invitae), Labcorp
Classification: Uncertain significance for Arrhythmogenic cardiomyopathy with wooly hair and keratoderma; Arrhythmogenic right ventricular dysplasia 8. Last evaluated: 2026-01-14. Review status: criteria provided, single submitter. Criteria: Invitae Variant Classification Sherloc (09022015). Collection method: clinical testing. Allele origin: germline.
Comment: This sequence change replaces cysteine, which is neutral and slightly polar, with phenylalanine, which is neutral and non-polar, at codon 1805 of the DSP protein (p.Cys1805Phe). This variant is not present in population databases (gnomAD no frequency). This missense change has been observed in individual(s) with clinical features of DSP-related conditions (PMID: 31470130, 37904629). ClinVar contains an entry for this variant (Variation ID: 573822). An algorithm developed to predict the effect of missense changes on protein structure and function (PolyPhen-2) suggests that this variant is likely to be tolerated. In summary, the available evidence is currently insufficient to determine the role of this variant in disease. Therefore, it has been classified as a Variant of Uncertain Significance.

Color Diagnostics, LLC DBA Color Health
Classification: Uncertain significance for Cardiomyopathy. Last evaluated: 2024-02-12. Review status: criteria provided, single submitter. Criteria: ACMG Guidelines, 2015. Collection method: clinical testing. Allele origin: germline.
Comment: This missense variant replaces cysteine with phenylalanine at codon 1805 of the DSP protein. Computational prediction tools indicate that this variant has a neutral impact on protein structure and function. To our knowledge, functional studies have not been reported for this variant. This variant has been reported in one individual affected with suspected arrhythmogenic right ventricular cardiomyopathy (PMID: 31470130) and in one individual affected with dilated cardiomyopathy (PMID: 37904629). This variant has not been identified in the general population by the Genome Aggregation Database (gnomAD). The available evidence is insufficient to determine the role of this variant in disease conclusively. Therefore, this variant is classified as a Variant of Uncertain Significance.

Institute for Clinical Genetics, University Hospital TU Dresden, University Hospital TU Dresden
Classification: Uncertain significance. Last evaluated: 2021-12-29. Review status: criteria provided, single submitter. Criteria: ACMG Guidelines, 2015. Collection method: clinical testing. Allele origin: germline.
Comment: PM2_SUP

Literature cited by the submitters: PubMed 31470130 (cited by Labcorp Genetics (formerly Invitae), Labcorp and Color Diagnostics, LLC DBA Color Health); PubMed 37904629 (cited by Labcorp Genetics (formerly Invitae), Labcorp and Color Diagnostics, LLC DBA Color Health).